The following is an entry in ClinVar:

NM_004380.3(CREBBP):c.2715A>G (p.Ser905=)

Gene: CREBBP (CREB binding lysine acetyltransferase; minus strand). Cytogenetic location: 16p13.3.
Variant type: single nucleotide variant.
Coding change: c.2715A>G on transcript NM_004380.3 (MANE Select); coding-DNA position 2715, A replaced by G.
Protein change: p.Ser905=; no amino-acid change (serine 905 retained).
Molecular consequence: synonymous variant.
Genome position (GRCh38, 1-based): chr16:3,770,735, T>C on the plus strand (A>G on the coding strand, the complement: CREBBP is on the minus strand). VCF-style: chr16-3770735-T-C. GRCh37 (hg19) VCF-style: chr16-3820736-T-C.
Other names: c.2601A>G, p.Ser867= (NM_001079846.1); c.2715A>G (NM_004380.2).
Identifiers: ClinVar variation 2199444 (VCV002199444.5), dbSNP rs2052982563, ClinGen allele CA493394929.

ClinVar aggregate classification (germline): Likely benign. Review status: criteria provided, multiple submitters, no conflicts (2 of 4 stars). 2 submissions from 2 submitters: Likely benign (2). Last evaluated 2025-09-23.

Conditions:
CREBBP-related disorder. Also called: CREBBP-related condition; CREBBP-related disorders.
Rubinstein-Taybi syndrome (RSTS). Identifiers: Orphanet 783, MedGen C0035934, MONDO:0019188.

Allele frequency attached by ClinVar (database versions not stated): gnomAD 0.00001.
gnomAD v4.1: 1 of 1,613,974 alleles (0.000062%); highest among the groups gnomAD compares: Admixed American, 0.0017%; no homozygotes.

Submissions (2):

PreventionGenetics, part of Exact Sciences
Classification: Likely benign for CREBBP-related condition. Last evaluated: 2025-09-23. Review status: criteria provided, single submitter. Criteria: ACMG Guidelines, 2015. Collection method: clinical testing. Allele origin: germline.
Comment: This variant is classified as likely benign based on ACMG/AMP sequence variant interpretation guidelines (Richards et al. 2015 PMID: 25741868, with internal and published modifications).

Labcorp Genetics (formerly Invitae), Labcorp
Classification: Likely benign for Rubinstein-Taybi syndrome. Last evaluated: 2022-08-17. Review status: criteria provided, single submitter. Criteria: Invitae Variant Classification Sherloc (09022015). Collection method: clinical testing. Allele origin: germline.